The following is an entry in ClinVar:

NM_020366.4(RPGRIP1):c.965T>C (p.Leu322Pro)

Gene: RPGRIP1 (RPGR interacting protein 1; plus strand). Cytogenetic location: 14q11.2.
Variant type: single nucleotide variant.
Coding change: c.965T>C on transcript NM_020366.4 (MANE Select); coding-DNA position 965, T replaced by C.
Protein change: p.Leu322Pro; replaces leucine 322 with proline.
Molecular consequence: missense variant.
Genome position (GRCh38, 1-based): chr14:21,311,858, T>C. VCF-style: chr14-21311858-T-C. GRCh37 (hg19) VCF-style: chr14-21780017-T-C.
Other names: c.965T>C (NM_020366.3); short protein forms L322P.
Identifiers: ClinVar variation 1014166 (VCV001014166.7), dbSNP rs1214509629, ClinGen allele CA388862195.

ClinVar aggregate classification (germline): Uncertain significance. Review status: criteria provided, multiple submitters, no conflicts (2 of 4 stars). 2 submissions from 2 submitters: Uncertain significance (2). Last evaluated 2025-08-24.

Conditions:
Inborn genetic diseases. Identifiers: MedGen C0950123, MeSH D030342.
Leber congenital amaurosis 6 (LCA6). Identifiers: Orphanet 65, MedGen C1854260, MONDO:0013446, OMIM 613826.
Cone-rod dystrophy 13 (CORD13). Identifiers: Orphanet 1872, MedGen C2750720, MONDO:0011987, OMIM 608194.

Allele frequency attached by ClinVar (database versions not stated): gnomAD 0.00001; TOPMed 0.00001.

Submissions (2):

Ambry Genetics
Classification: Uncertain significance for Inborn genetic diseases. Last evaluated: 2025-08-24. Review status: criteria provided, single submitter. Criteria: Ambry Variant Classification Scheme 2023. Collection method: clinical testing. Allele origin: germline.

Labcorp Genetics (formerly Invitae), Labcorp
Classification: Uncertain significance for Leber congenital amaurosis 6; Cone-rod dystrophy 13. Last evaluated: 2024-02-23. Review status: criteria provided, single submitter. Criteria: Invitae Variant Classification Sherloc (09022015). Collection method: clinical testing. Allele origin: germline.
Comment: This sequence change replaces leucine, which is neutral and non-polar, with proline, which is neutral and non-polar, at codon 322 of the RPGRIP1 protein (p.Leu322Pro). This variant is not present in population databases (gnomAD no frequency). This variant has not been reported in the literature in individuals affected with RPGRIP1-related conditions. ClinVar contains an entry for this variant (Variation ID: 1014166). Advanced modeling of protein sequence and biophysical properties (such as structural, functional, and spatial information, amino acid conservation, physicochemical variation, residue mobility, and thermodynamic stability) performed at Invitae indicates that this missense variant is expected to disrupt RPGRIP1 protein function with a positive predictive value of 80%. In summary, the available evidence is currently insufficient to determine the role of this variant in disease. Therefore, it has been classified as a Variant of Uncertain Significance.